The following is an entry in ClinVar:

NM_004380.3(CREBBP):c.6445G>A (p.Val2149Met)

Gene: CREBBP (CREB binding lysine acetyltransferase; minus strand). Cytogenetic location: 16p13.3.
Variant type: single nucleotide variant.
Coding change: c.6445G>A on transcript NM_004380.3 (MANE Select); coding-DNA position 6445, G replaced by A.
Protein change: p.Val2149Met; replaces valine 2149 with methionine.
Molecular consequence: missense variant.
Genome position (GRCh38, 1-based): chr16:3,728,602, C>T on the plus strand (G>A on the coding strand, the complement: CREBBP is on the minus strand). VCF-style: chr16-3728602-C-T. GRCh37 (hg19) VCF-style: chr16-3778603-C-T.
Other names: c.6331G>A, p.Val2111Met (NM_001079846.1); short protein forms V2111M, V2149M.
Identifiers: ClinVar variation 863452 (VCV000863452.12), dbSNP rs147448293, ClinGen allele CA7869109.

ClinVar aggregate classification (germline): Conflicting classifications of pathogenicity. Review status: criteria provided, conflicting classifications (1 of 4 stars). 3 submissions from 3 submitters: Uncertain significance (1); Benign (1); Likely benign (1). Last evaluated 2025-12-29.

Conditions:
Rubinstein-Taybi syndrome (RSTS). Identifiers: Orphanet 783, MedGen C0035934, MONDO:0019188.
Inborn genetic diseases. Identifiers: MedGen C0950123, MeSH D030342.
CREBBP-related disorder. Also called: CREBBP-related condition; CREBBP-related disorders.

Allele frequency attached by ClinVar (database versions not stated): TOPMed 0.00002; ExAC 0.00005; ESP Exome Variant Server 0.00015.
gnomAD v4.1: 17 of 1,613,542 alleles (0.0011%); highest among the groups gnomAD compares: East Asian, 0.0089%; no homozygotes.

Submissions (3):

PreventionGenetics, part of Exact Sciences
Classification: Uncertain significance for CREBBP-related condition. Last evaluated: 2025-12-29. Review status: criteria provided, single submitter. Criteria: ACMG Guidelines, 2015. Collection method: clinical testing. Allele origin: germline.
Comment: The CREBBP c.6445G>A variant is predicted to result in the amino acid substitution p.Val2149Met. To our knowledge, this variant has not been reported in the literature. This variant is reported in 0.016% of alleles in individuals of African descent in gnomAD, which may be too common to be a primary cause of disease. Although we suspect that this variant may be benign, at this time, the clinical significance of this variant is uncertain due to the absence of conclusive functional and genetic evidence.

Labcorp Genetics (formerly Invitae), Labcorp
Classification: Benign for Rubinstein-Taybi syndrome. Last evaluated: 2025-10-03. Review status: criteria provided, single submitter. Criteria: Invitae Variant Classification Sherloc (09022015). Collection method: clinical testing. Allele origin: germline.

Ambry Genetics
Classification: Likely benign for Inborn genetic diseases. Last evaluated: 2018-06-26. Review status: criteria provided, single submitter. Criteria: Ambry Variant Classification Scheme 2023. Collection method: clinical testing. Allele origin: germline.